The following is an entry in ClinVar:

ClinVar aggregate classification (germline): Likely benign (1 of 4 stars; one submission).

Allele frequency attached by ClinVar (database versions not stated): gnomAD exomes 0.00122; gnomAD 0.01201; TOPMed 0.01382; 1000 Genomes Project 0.01697; 1000 Genomes Project 30x 0.01749.
gnomAD v4.1: 3,654 of 1,588,872 alleles (0.23%); highest among the groups gnomAD compares: African/African-American, 4.4%; 82 homozygotes.

Submission:

GeneDx
Classification: Likely benign. Last evaluated: 2019-05-20. Review status: criteria provided, single submitter. Criteria: GeneDx Variant Classification Process June 2021. Collection method: clinical testing. Allele origin: germline. Affected: yes.
Comment: See Variant Classification Assertion Criteria.

NM_004994.3(MMP9):c.1750+75C>T

Genes: MMP9 (matrix metallopeptidase 9; plus strand), SLC12A5-AS1 (SLC12A5 and MMP9 antisense RNA 1; minus strand). Cytogenetic location: 20q13.12.
Variant type: single nucleotide variant.
Coding change: c.1750+75C>T on transcript NM_004994.3 (MANE Select); 75 bases into the intron after coding-DNA position 1750, C replaced by T.
Molecular consequence: intron variant. On other transcripts: non-coding transcript variant (1).
Genome position (GRCh38, 1-based): chr20:46,013,871, C>T. VCF-style: chr20-46013871-C-T. GRCh37 (hg19) VCF-style: chr20-44642510-C-T.
Identifiers: ClinVar variation 1707132 (VCV001707132.2), dbSNP rs3918259, ClinGen allele CA315636477.